The following is an entry in ClinVar:

NM_004360.5(CDH1):c.485G>C (p.Ser162Thr)

Gene: CDH1 (cadherin 1; plus strand). Cytogenetic location: 16q22.1.
Variant type: single nucleotide variant.
Coding change: c.485G>C on transcript NM_004360.5 (MANE Select); coding-DNA position 485, G replaced by C.
Protein change: p.Ser162Thr; replaces serine 162 with threonine.
Molecular consequence: missense variant. On other transcripts: 5 prime UTR variant (2).
Genome position (GRCh38, 1-based): chr16:68,808,521, G>C. VCF-style: chr16-68808521-G-C. GRCh37 (hg19) VCF-style: chr16-68842424-G-C.
Other names: c.485G>C, p.Ser162Thr (NM_001317184.2); c.-1131G>C (NM_001317185.2); c.-1335G>C (NM_001317186.2); short protein forms S162T.
Identifiers: ClinVar variation 5033965 (VCV005033965.1).

ClinVar aggregate classification (germline): Uncertain significance (1 of 4 stars; one submission).

Conditions:
Hereditary cancer-predisposing syndrome. Also called: Neoplastic Syndromes, Hereditary; Tumor predisposition; Hereditary neoplastic syndrome; Hereditary Cancer Syndrome. Identifiers: Orphanet 140162, MedGen C0027672, MeSH D009386, MONDO:0015356.

Submission:

Ambry Genetics
Classification: Uncertain significance for Hereditary cancer-predisposing syndrome. Last evaluated: 2026-07-07. Review status: criteria provided, single submitter. Criteria: Ambry Variant Classification Scheme 2023. Collection method: clinical testing. Allele origin: germline.
Comment: The p.S162T variant (also known as c.485G>C), located in coding exon 4 of the CDH1 gene, results from a G to C substitution at nucleotide position 485. The serine at codon 162 is replaced by threonine, an amino acid with similar properties. This amino acid position is conserved. In addition, this alteration is predicted to be tolerated by in silico analysis. Based on the available evidence, the clinical significance of this variant remains unclear.